The following is an entry in ClinVar:

ClinVar aggregate classification (germline): Uncertain significance (1 of 4 stars; one submission).

Submission:

GeneDx
Classification: Uncertain significance. Last evaluated: 2026-02-23. Review status: criteria provided, single submitter. Criteria: GeneDx Variant Classification Process June 2021. Collection method: clinical testing. Allele origin: germline.
Comment: Not observed at significant frequency in large population cohorts (gnomAD); Frameshift variant predicted to result in protein truncation or nonsense mediated decay in a gene or region of a gene for which loss of function is not a well-established mechanism of disease; Has not been previously published as pathogenic or benign to our knowledge

NM_000937.5(POLR2A):c.2023_2024del (p.Val675fs)

Gene: POLR2A (RNA polymerase II subunit A; plus strand). Cytogenetic location: 17p13.1.
Variant type: Deletion.
Coding change: c.2023_2024del on transcript NM_000937.5 (MANE Select); coding-DNA positions 2023 to 2024, 2 bases deleted (GT; older notation c.2023_2024delGT).
Protein change: p.Val675fs; shifts the reading frame from valine 675.
Molecular consequence: frameshift variant.
Genome position (GRCh38, 1-based): chr17:7,501,081-7,501,082, GT deleted; deleting any 2 consecutive bases within chr17:7,501,080-7,501,082 gives the same sequence; the c. name uses the placement nearest the transcript's 3' end. VCF-style (leftmost placement, unchanged base first): chr17-7501079-CTG-C. GRCh37 (hg19) VCF-style: chr17-7404398-CTG-C.
Other names: short protein forms V675fs.
Identifiers: ClinVar variation 5010075 (VCV005010075.1).